The following is an entry in ClinVar:

ClinVar aggregate classification (germline): Uncertain significance. Review status: criteria provided, multiple submitters, no conflicts (2 of 4 stars). 3 submissions from 3 submitters: Uncertain significance (3). Last evaluated 2025-10-28.

Conditions:
Hereditary spastic paraplegia 8 (SPG8). Also called: SPASTIC PARAPLEGIA 8, AUTOSOMAL DOMINANT. Identifiers: Orphanet 100989, MedGen C1863704, MONDO:0011339, OMIM 603563.
Ritscher-Schinzel syndrome. Also called: CRANIOCEREBELLOCARDIAC DYSPLASIA. Identifiers: Orphanet 7, MedGen C0796137, MONDO:0019078.
Inborn genetic diseases. Identifiers: MedGen C0950123, MeSH D030342.

Allele frequency attached by ClinVar (database versions not stated): 1000 Genomes Project 30x 0.00016; gnomAD 0.00003 and 0.00002; gnomAD exomes 0.00007 and 0.00015; ExAC 0.00011; 1000 Genomes Project 0.00020.
gnomAD v4.1: 45 of 1,613,626 alleles (0.0028%); highest among the groups gnomAD compares: Admixed American, 0.075%; no homozygotes.

Submissions (3):

Labcorp Genetics (formerly Invitae), Labcorp
Classification: Uncertain significance for Ritscher-Schinzel syndrome; Hereditary spastic paraplegia 8. Last evaluated: 2025-10-28. Review status: criteria provided, single submitter. Criteria: Invitae Variant Classification Sherloc (09022015). Collection method: clinical testing. Allele origin: germline.
Comment: This sequence change replaces proline, which is neutral and non-polar, with arginine, which is basic and polar, at codon 1119 of the WASHC5 protein (p.Pro1119Arg). This variant is present in population databases (rs202184316, gnomAD 0.1%). This variant has not been reported in the literature in individuals affected with WASHC5-related conditions. ClinVar contains an entry for this variant (Variation ID: 970935). Invitae Evidence Modeling of protein sequence and biophysical properties (such as structural, functional, and spatial information, amino acid conservation, physicochemical variation, residue mobility, and thermodynamic stability) has been performed for this missense variant. However, the output from this modeling did not meet the statistical confidence thresholds required to predict the impact of this variant on WASHC5 protein function. In summary, the available evidence is currently insufficient to determine the role of this variant in disease. Therefore, it has been classified as a Variant of Uncertain Significance.

GeneDx
Classification: Uncertain significance. Last evaluated: 2023-08-01. Review status: criteria provided, single submitter. Criteria: GeneDx Variant Classification Process June 2021. Collection method: clinical testing. Allele origin: germline. Affected: yes.
Comment: In silico analysis supports that this missense variant has a deleterious effect on protein structure/function; Has not been previously published as pathogenic or benign to our knowledge

Ambry Genetics
Classification: Uncertain significance for Inborn genetic diseases. Last evaluated: 2022-03-23. Review status: criteria provided, single submitter. Criteria: Ambry Variant Classification Scheme 2023. Collection method: clinical testing. Allele origin: germline.

NM_014846.4(WASHC5):c.3356C>G (p.Pro1119Arg)

Gene: WASHC5 (WASH complex subunit 5; minus strand). Cytogenetic location: 8q24.13.
Variant type: single nucleotide variant.
Coding change: c.3356C>G on transcript NM_014846.4 (MANE Select); coding-DNA position 3356, C replaced by G.
Protein change: p.Pro1119Arg; replaces proline 1119 with arginine.
Molecular consequence: missense variant.
Genome position (GRCh38, 1-based): chr8:125,028,687, G>C on the plus strand (C>G on the coding strand, the complement: WASHC5 is on the minus strand). VCF-style: chr8-125028687-G-C. GRCh37 (hg19) VCF-style: chr8-126040929-G-C.
Other names: c.2912C>G, p.Pro971Arg (NM_001330609.2); short protein forms P971R, P1119R.
Identifiers: ClinVar variation 970935 (VCV000970935.10), dbSNP rs202184316, ClinGen allele CA4873229.
Genomic context (GRCh38, chr8:125,028,687, plus strand): 5'-GGTAGCTTTGTGTACCGAACATAATCCTCCAGGAACAGAAGGGCACCCACAACATCTGCA[G>C]GAATTTCAGGTATCTTCTGGCTGTGATAGAGAACAGTTTAGATCAATTAACTGCTTTGCA-3'
Protein context (NP_055661.3, residues 1109-1129): QCTSQKIPEI[Pro1119Arg]ADVVGALLFL